The following is an entry in ClinVar:

ClinVar aggregate classification (germline): Conflicting classifications of pathogenicity. Review status: criteria provided, conflicting classifications (1 of 4 stars). 3 submissions from 3 submitters: Uncertain significance (2); Likely benign (1). Last evaluated 2026-06-24.

Conditions:
Inborn genetic diseases. Identifiers: MedGen C0950123, MeSH D030342.
Landau-Kleffner syndrome (FESD). Also called: EPILEPSY, FOCAL, WITH SPEECH DISORDER AND WITH OR WITHOUT MENTAL RETARDATION; APHASIA, ACQUIRED, WITH EPILEPSY. Identifiers: Orphanet 1945, Orphanet 725, Orphanet 98818, MedGen C0282512, MONDO:0009509, OMIM 245570.

Allele frequency attached by ClinVar (database versions not stated): TOPMed 0.00002; gnomAD 0.00001; ExAC 0.00002; ESP Exome Variant Server 0.00008; gnomAD exomes 0.00003.
gnomAD v4.1: 50 of 1,613,888 alleles (0.0031%); highest among the groups gnomAD compares: Non-Finnish European, 0.0038%; no homozygotes.

Submissions (3):

Women's Health and Genetics/Laboratory Corporation of America, LabCorp
Classification: Uncertain significance. Last evaluated: 2026-06-24. Review status: criteria provided, single submitter. Criteria: LabCorp Variant Classification Summary - May 2015. Collection method: clinical testing. Allele origin: germline.
Comment: Variant summary: GRIN2A c.2567G>A (p.Arg856Gln) results in a conservative amino acid change in the encoded protein sequence. Algorithms developed to predict the effect of missense changes on protein structure and function are either unavailable or do not agree on the potential impact of this missense change. The variant allele was found at a frequency of 2e-05 in 250942 control chromosomes. The available data on variant occurrences in the general population are insufficient to allow any conclusion about variant significance. To our knowledge, no occurrence of c.2567G>A in individuals affected with GRIN2A-related conditions and no experimental evidence demonstrating its impact on protein function have been reported. ClinVar contains an entry for this variant (Variation ID: 1793179). Based on the evidence outlined above, the variant was classified as uncertain significance.

Labcorp Genetics (formerly Invitae), Labcorp
Classification: Likely benign for Landau-Kleffner syndrome. Last evaluated: 2025-11-09. Review status: criteria provided, single submitter. Criteria: Invitae Variant Classification Sherloc (09022015). Collection method: clinical testing. Allele origin: germline.

Ambry Genetics
Classification: Uncertain significance for Inborn genetic diseases. Last evaluated: 2018-03-06. Review status: criteria provided, single submitter. Criteria: Ambry Variant Classification Scheme 2023. Collection method: clinical testing. Allele origin: germline.
Comment: The p.R856Q variant (also known as c.2567G>A), located in coding exon 11 of the GRIN2A gene, results from a G to A substitution at nucleotide position 2567. The arginine at codon 856 is replaced by glutamine, an amino acid with highly similar properties. This amino acid position is highly conserved through mammals but not in all available vertebrate species. In addition, this alteration is predicted to be tolerated by in silico analysis. Since supporting evidence is limited at this time, the clinical significance of this alteration remains unclear.

NM_001134407.3(GRIN2A):c.2567G>A (p.Arg856Gln)

Gene: GRIN2A (glutamate ionotropic receptor NMDA type subunit 2A; minus strand). Cytogenetic location: 16p13.2.
Variant type: single nucleotide variant.
Coding change: c.2567G>A on transcript NM_001134407.3 (MANE Select); coding-DNA position 2567, G replaced by A.
Protein change: p.Arg856Gln; replaces arginine 856 with glutamine.
Molecular consequence: missense variant.
Genome position (GRCh38, 1-based): chr16:9,768,879, C>T on the plus strand (G>A on the coding strand, the complement: GRIN2A is on the minus strand). VCF-style: chr16-9768879-C-T. GRCh37 (hg19) VCF-style: chr16-9862736-C-T.
Other names: c.2567G>A, p.Arg856Gln (NM_000833.5, NM_001134408.2); short protein forms R856Q.
Identifiers: ClinVar variation 1793179 (VCV001793179.6), dbSNP rs368881818, ClinGen allele CA7896482.